The following is an entry in ClinVar:

ClinVar aggregate classification (germline): Uncertain significance (1 of 4 stars; one submission).

Conditions:
RASopathy. Also called: rasopathies; Noonan spectrum disorder. Identifiers: Orphanet 536391, MedGen C5555857, MONDO:0021060.

Submission:

Labcorp Genetics (formerly Invitae), Labcorp
Classification: Uncertain significance for RASopathy. Last evaluated: 2024-04-06. Review status: criteria provided, single submitter. Criteria: Invitae Variant Classification Sherloc (09022015). Collection method: clinical testing. Allele origin: germline.
Comment: This sequence change replaces lysine, which is basic and polar, with asparagine, which is neutral and polar, at codon 324 of the PTPN11 protein (p.Lys324Asn). This variant is not present in population databases (gnomAD no frequency). This variant has not been reported in the literature in individuals affected with PTPN11-related conditions. ClinVar contains an entry for this variant (Variation ID: 2012414). Advanced modeling of protein sequence and biophysical properties (such as structural, functional, and spatial information, amino acid conservation, physicochemical variation, residue mobility, and thermodynamic stability) has been performed at Invitae for this missense variant, however the output from this modeling did not meet the statistical confidence thresholds required to predict the impact of this variant on PTPN11 protein function. In summary, the available evidence is currently insufficient to determine the role of this variant in disease. Therefore, it has been classified as a Variant of Uncertain Significance.

NM_002834.5(PTPN11):c.972A>C (p.Lys324Asn)

Gene: PTPN11 (protein tyrosine phosphatase non-receptor type 11; plus strand). Cytogenetic location: 12q24.13.
Variant type: single nucleotide variant.
Coding change: c.972A>C on transcript NM_002834.5 (MANE Select); coding-DNA position 972, A replaced by C.
Protein change: p.Lys324Asn; replaces lysine 324 with asparagine.
Molecular consequence: missense variant.
Genome position (GRCh38, 1-based): chr12:112,477,895, A>C. VCF-style: chr12-112477895-A-C. GRCh37 (hg19) VCF-style: chr12-112915699-A-C.
Other names: c.972A>C, p.Lys324Asn (NM_001330437.2, NM_080601.3); c.969A>C, p.Lys323Asn (NM_001374625.1); short protein forms K323N, K324N.
Identifiers: ClinVar variation 2012414 (VCV002012414.4), dbSNP rs2540452277, ClinGen allele CA386791196.